The following is an entry in ClinVar:

NM_001128178.3(NPHP1):c.1522G>A (p.Val508Ile)

Gene: NPHP1 (nephrocystin 1; minus strand). Cytogenetic location: 2q13.
Variant type: single nucleotide variant.
Coding change: c.1522G>A on transcript NM_001128178.3 (MANE Select); coding-DNA position 1522, G replaced by A.
Protein change: p.Val508Ile; replaces valine 508 with isoleucine.
Molecular consequence: missense variant.
Genome position (GRCh38, 1-based): chr2:110,143,549, C>T on the plus strand (G>A on the coding strand, the complement: NPHP1 is on the minus strand). VCF-style: chr2-110143549-C-T. GRCh37 (hg19) VCF-style: chr2-110901126-C-T.
Other names: c.1690G>A, p.Val564Ile (NM_000272.5); c.1333G>A, p.Val445Ile (NM_001128179.3); c.1519G>A, p.Val507Ile (NM_001374256.1); c.1522G>A, p.Val508Ile (NM_001374257.1); c.1687G>A, p.Val563Ile (NM_207181.4); c.1690G>A (NM_000272.3); short protein forms V508I, V563I, V445I, V507I, V564I.
Identifiers: ClinVar variation 1905125 (VCV001905125.4), dbSNP rs573192954, ClinGen allele CA1826997.

ClinVar aggregate classification (germline): Conflicting classifications of pathogenicity. Review status: criteria provided, conflicting classifications (1 of 4 stars). 3 submissions from 3 submitters: Uncertain significance (2); Likely benign (1). Last evaluated 2025-03-03.

Conditions:
Nephronophthisis. Also called: Juvenile Nephronophthisis. Identifiers: Orphanet 655, MedGen C0687120, MONDO:0019005, HP:0000090.
Inborn genetic diseases. Identifiers: MedGen C0950123, MeSH D030342.

Allele frequency attached by ClinVar (database versions not stated): 1000 Genomes Project 30x 0.00016; 1000 Genomes Project 0.00020.
gnomAD v4.1: 11 of 1,609,992 alleles (0.00068%); highest among the groups gnomAD compares: Admixed American, 0.005%; no homozygotes.

Submissions (3):

Ambry Genetics
Classification: Likely benign for Inborn genetic diseases. Last evaluated: 2025-03-03. Review status: criteria provided, single submitter. Criteria: Ambry Variant Classification Scheme 2023. Collection method: clinical testing. Allele origin: germline.

Labcorp Genetics (formerly Invitae), Labcorp
Classification: Uncertain significance for Nephronophthisis. Last evaluated: 2022-06-08. Review status: criteria provided, single submitter. Criteria: Invitae Variant Classification Sherloc (09022015). Collection method: clinical testing. Allele origin: germline.
Comment: This sequence change replaces valine, which is neutral and non-polar, with isoleucine, which is neutral and non-polar, at codon 564 of the NPHP1 protein (p.Val564Ile). This variant is present in population databases (rs573192954, gnomAD 0.01%). This variant has not been reported in the literature in individuals affected with NPHP1-related conditions. Algorithms developed to predict the effect of missense changes on protein structure and function output the following: SIFT: "Tolerated"; PolyPhen-2: "Benign"; Align-GVGD: "Class C0". The isoleucine amino acid residue is found in multiple mammalian species, which suggests that this missense change does not adversely affect protein function. In summary, the available evidence is currently insufficient to determine the role of this variant in disease. Therefore, it has been classified as a Variant of Uncertain Significance.

Blueprint Genetics
Classification: Uncertain significance. Last evaluated: 2018-05-29. Review status: criteria provided, single submitter. Criteria: ACMG Guidelines, 2015. Collection method: clinical testing. Allele origin: germline.